The following is an entry in ClinVar:

NM_007194.4(CHEK2):c.1202C>G (p.Thr401Ser)

Gene: CHEK2 (checkpoint kinase 2; minus strand). Cytogenetic location: 22q12.1.
Variant type: single nucleotide variant.
Coding change: c.1202C>G on transcript NM_007194.4 (MANE Select); coding-DNA position 1202, C replaced by G.
Protein change: p.Thr401Ser; replaces threonine 401 with serine.
Molecular consequence: missense variant.
Genome position (GRCh38, 1-based): chr22:28,695,767, G>C on the plus strand (C>G on the coding strand, the complement: CHEK2 is on the minus strand). VCF-style: chr22-28695767-G-C. GRCh37 (hg19) VCF-style: chr22-29091755-G-C.
Other names: c.1331C>G, p.Thr444Ser (NM_001005735.3); c.539C>G, p.Thr180Ser (NM_001257387.3); c.1001C>G, p.Thr334Ser (NM_001349956.3); c.1115C>G, p.Thr372Ser (NM_145862.3); short protein forms T334S, T401S, T444S, T180S, T372S.
Identifiers: ClinVar variation 818524 (VCV000818524.15), dbSNP rs1601722432, ClinGen allele CA411096764.

ClinVar aggregate classification (germline): Uncertain significance. Review status: criteria provided, multiple submitters, no conflicts (2 of 4 stars). 3 submissions from 3 submitters: Uncertain significance (3). Last evaluated 2024-03-08.

Conditions:
Hereditary cancer-predisposing syndrome. Also called: Tumor predisposition; Hereditary neoplastic syndrome; Neoplastic Syndromes, Hereditary; Hereditary Cancer Syndrome. Identifiers: Orphanet 140162, MedGen C0027672, MeSH D009386, MONDO:0015356.
Familial cancer of breast. Also called: hereditary breast carcinoma; Hereditary breast cancer; BREAST CANCER, FAMILIAL. Identifiers: Orphanet 227535, MedGen C0346153, MONDO:0016419, OMIM 114480. Disease mechanism: loss of function.

Submissions (3):

Labcorp Genetics (formerly Invitae), Labcorp
Classification: Uncertain significance for Familial cancer of breast. Last evaluated: 2024-03-08. Review status: criteria provided, single submitter. Criteria: Invitae Variant Classification Sherloc (09022015). Collection method: clinical testing. Allele origin: germline.
Comment: This sequence change replaces threonine, which is neutral and polar, with serine, which is neutral and polar, at codon 401 of the CHEK2 protein (p.Thr401Ser). This variant is not present in population databases (gnomAD no frequency). This variant has not been reported in the literature in individuals affected with CHEK2-related conditions. ClinVar contains an entry for this variant (Variation ID: 818524). Algorithms developed to predict the effect of missense changes on protein structure and function output the following: SIFT: "Not Available"; PolyPhen-2: "Benign"; Align-GVGD: "Not Available". The serine amino acid residue is found in multiple mammalian species, which suggests that this missense change does not adversely affect protein function. In summary, the available evidence is currently insufficient to determine the role of this variant in disease. Therefore, it has been classified as a Variant of Uncertain Significance.

Ambry Genetics
Classification: Uncertain significance for Hereditary cancer-predisposing syndrome. Last evaluated: 2023-12-11. Review status: criteria provided, single submitter. Criteria: Ambry Variant Classification Scheme 2023. Collection method: clinical testing. Allele origin: germline.
Comment: The p.T401S variant (also known as c.1202C>G), located in coding exon 10 of the CHEK2 gene, results from a C to G substitution at nucleotide position 1202. The threonine at codon 401 is replaced by serine, an amino acid with similar properties. This amino acid position is highly conserved in available vertebrate species. In addition, this alteration is predicted to be tolerated by in silico analysis. Since supporting evidence is limited at this time, the clinical significance of this alteration remains unclear.

Baylor Genetics
Classification: Uncertain significance for Familial cancer of breast. Last evaluated: 2023-10-22. Review status: criteria provided, single submitter. Criteria: ACMG Guidelines, 2015. Collection method: clinical testing. Allele origin: unknown.